The following is an entry in ClinVar:

NM_001942.4(DSG1):c.2463G>A (p.Leu821=)

Genes: DSG1 (desmoglein 1; plus strand), DSG1-AS1 (DSG1 antisense RNA 1; minus strand), LOC126862720 (MED14-independent group 3 enhancer GRCh37_chr18:28933613-28934812; plus strand). Cytogenetic location: 18q12.1.
Variant type: single nucleotide variant.
Coding change: c.2463G>A on transcript NM_001942.4 (MANE Select); coding-DNA position 2463, G replaced by A.
Protein change: p.Leu821=; no amino-acid change (leucine 821 retained).
Molecular consequence: synonymous variant.
Genome position (GRCh38, 1-based): chr18:31,354,659, G>A. VCF-style: chr18-31354659-G-A. GRCh37 (hg19) VCF-style: chr18-28934622-G-A.
Other names: c.2463G>A (NM_001942.3).
Identifiers: ClinVar variation 1555348 (VCV001555348.14), dbSNP rs369133619, ClinGen allele CA8926366.

ClinVar aggregate classification (germline): Likely benign. Review status: criteria provided, multiple submitters, no conflicts (2 of 4 stars). 3 submissions from 3 submitters: Likely benign (2). 1 of the submissions does not count toward it. Last evaluated 2026-03-01.

Conditions:
DSG1-related disorder. Also called: DSG1-related condition.

Allele frequency attached by ClinVar (database versions not stated): gnomAD exomes 0.00007 and 0.00011; ESP Exome Variant Server 0.00008; TOPMed 0.00011.
gnomAD v4.1: 117 of 1,614,150 alleles (0.0072%); highest among the groups gnomAD compares: African/African-American, 0.008%; no homozygotes.

Submissions (3):

CeGaT Center for Human Genetics Tuebingen
Classification: Likely benign. Last evaluated: 2026-03-01. Review status: criteria provided, single submitter. Criteria: CeGaT Center For Human Genetics Tuebingen Variant Classification Criteria Version 2. Collection method: clinical testing. Allele origin: germline. Affected: yes. Observed: 1 variant allele.
Comment: DSG1: BP4, BP7

Labcorp Genetics (formerly Invitae), Labcorp
Classification: Likely benign. Last evaluated: 2026-01-02. Review status: criteria provided, single submitter. Criteria: Invitae Variant Classification Sherloc (09022015). Collection method: clinical testing. Allele origin: germline.

PreventionGenetics, part of Exact Sciences
Classification: Likely benign for DSG1-related condition. Last evaluated: 2019-03-05. Review status: no assertion criteria provided. Collection method: clinical testing. Allele origin: germline. Not counted in ClinVar's aggregate classification.
Comment: This variant is classified as likely benign based on ACMG/AMP sequence variant interpretation guidelines (Richards et al. 2015 PMID: 25741868, with internal and published modifications).